The following is an entry in ClinVar:

NM_000349.3(STAR):c.637A>T (p.Lys213Ter)

Gene: STAR (steroidogenic acute regulatory protein; minus strand). Cytogenetic location: 8p11.23.
Variant type: single nucleotide variant.
Coding change: c.637A>T on transcript NM_000349.3 (MANE Select); coding-DNA position 637, A replaced by T.
Protein change: p.Lys213Ter; replaces lysine 213 with a stop codon.
Molecular consequence: nonsense.
Genome position (GRCh38, 1-based): chr8:38,145,976, T>A on the plus strand (A>T on the coding strand, the complement: STAR is on the minus strand). VCF-style: chr8-38145976-T-A. GRCh37 (hg19) VCF-style: chr8-38003494-T-A.
Other names: short protein forms K213*.
Identifiers: ClinVar variation 2739260 (VCV002739260.3), dbSNP rs2487061701, ClinGen allele CA370698742.

ClinVar aggregate classification (germline): Pathogenic (1 of 4 stars; one submission).

Submission:

Labcorp Genetics (formerly Invitae), Labcorp
Classification: Pathogenic. Last evaluated: 2023-07-17. Review status: criteria provided, single submitter. Criteria: Invitae Variant Classification Sherloc (09022015). Collection method: clinical testing. Allele origin: germline.
Comment: This variant has not been reported in the literature in individuals affected with STAR-related conditions. For these reasons, this variant has been classified as Pathogenic. This variant is not present in population databases (gnomAD no frequency). This sequence change creates a premature translational stop signal (p.Lys213*) in the STAR gene. It is expected to result in an absent or disrupted protein product. Loss-of-function variants in STAR are known to be pathogenic (PMID: 8948562).

Literature cited by the submitters: PubMed 8948562.